The following is an entry in ClinVar:

ClinVar aggregate classification (germline): Uncertain significance (1 of 4 stars; one submission).

Conditions:
Waardenburg syndrome type 2A (WS2A). Also called: WAARDENBURG SYNDROME WITHOUT DYSTOPIA CANTHORUM. Identifiers: Orphanet 3440, MedGen C1860339, MONDO:0008671, OMIM 193510.
Tietz syndrome (TADS). Also called: ALBINISM-DEAFNESS OF TIETZ; HYPOPIGMENTATION/DEAFNESS OF TIETZ; TIETZ ALBINISM-DEAFNESS SYNDROME. Identifiers: Orphanet 42665, MedGen C0391816, MONDO:0007077, OMIM 103500.

Submission:

Institute of Human Genetics, University of Goettingen
Classification: Uncertain significance for Tietz syndrome; Waardenburg syndrome type 2A. Last evaluated: 2024-09-20. Review status: criteria provided, single submitter. Criteria: ACMG Guidelines, 2015. Collection method: clinical testing. Allele origin: unknown. Inheritance: Autosomal dominant inheritance. Affected: yes.
Comment: The variant c.33G>C (p.(Gln11His)) in exon 1 of the MITF-gene is not found in the gnomAD database, it affects a highly conserved nucleotide and a Weakly conserved amino acid. There is a Small physicochemical difference between Gln and His. The variant might lead to a splice defect (last base of exon 1). ACMG criteria used for classification: PP3_sup, PP1, PM2_sup

NM_000248.4(MITF):c.33G>C (p.Gln11His)

Gene: MITF (melanocyte inducing transcription factor; plus strand). Cytogenetic location: 3p13.
Variant type: single nucleotide variant.
Coding change: c.33G>C on transcript NM_000248.4 (MANE Plus Clinical); coding-DNA position 33, G replaced by C.
Protein change: p.Gln11His; replaces glutamine 11 with histidine.
Molecular consequence: missense variant. On other transcripts: intron variant (9).
Genome position (GRCh38, 1-based): chr3:69,936,755, G>C. VCF-style: chr3-69936755-G-C. GRCh37 (hg19) VCF-style: chr3-69985906-G-C.
Other names: c.33G>C, p.Gln11His (NM_001184968.2, NM_198158.3, NM_198178.3); c.304-1067G>C (NM_001354607.2); c.199-1067G>C (NM_001354608.2, NM_001184967.2); c.355-1067G>C (NM_001354604.2, NM_198159.3); c.352-1067G>C (NM_001354605.2, NM_001354606.2, NM_006722.3); c.307-1067G>C (NM_198177.3); short protein forms Q11H.
Identifiers: ClinVar variation 3391011 (VCV003391011.2).